The following is an entry in ClinVar:

ClinVar aggregate classification (germline): Uncertain significance (1 of 4 stars; one submission).

Conditions:
Lymphoproliferative syndrome 1 (LPFS1). Identifiers: Orphanet 238505, Orphanet 538963, MedGen C3552634, MONDO:0013081, OMIM 613011.

gnomAD v4.1: 3 of 1,614,036 alleles (0.00019%); highest among the groups gnomAD compares: Non-Finnish European, 0.00025%; no homozygotes.

Submission:

Labcorp Genetics (formerly Invitae), Labcorp
Classification: Uncertain significance for Lymphoproliferative syndrome 1. Last evaluated: 2019-11-18. Review status: criteria provided, single submitter. Criteria: Invitae Variant Classification Sherloc (09022015). Collection method: clinical testing. Allele origin: germline.
Comment: Algorithms developed to predict the effect of missense changes on protein structure and function (SIFT, PolyPhen-2, Align-GVGD) all suggest that this variant is likely to be tolerated, but these predictions have not been confirmed by published functional studies and their clinical significance is uncertain. In summary, the available evidence is currently insufficient to determine the role of this variant in disease. Therefore, it has been classified as a Variant of Uncertain Significance. This variant has not been reported in the literature in individuals with ITK-related conditions. This variant is not present in population databases (ExAC no frequency). This sequence change replaces histidine with leucine at codon 45 of the ITK protein (p.His45Leu). The histidine residue is moderately conserved and there is a moderate physicochemical difference between histidine and leucine.

NM_005546.4(ITK):c.134A>T (p.His45Leu)

Gene: ITK (IL2 inducible T cell kinase; plus strand). Cytogenetic location: 5q33.3.
Variant type: single nucleotide variant.
Coding change: c.134A>T on transcript NM_005546.4 (MANE Select); coding-DNA position 134, A replaced by T.
Protein change: p.His45Leu; replaces histidine 45 with leucine.
Molecular consequence: missense variant.
Genome position (GRCh38, 1-based): chr5:157,181,111, A>T. VCF-style: chr5-157181111-A-T. GRCh37 (hg19) VCF-style: chr5-156608122-A-T.
Other names: short protein forms H45L.
Identifiers: ClinVar variation 846918 (VCV000846918.9), dbSNP rs1753504528, ClinGen allele CA361966742.